The following is an entry in ClinVar:

NM_001753.5(CAV1):c.454G>A (p.Val152Ile)

Gene: CAV1 (caveolin 1; plus strand). Cytogenetic location: 7q31.2.
Variant type: single nucleotide variant.
Coding change: c.454G>A on transcript NM_001753.5 (MANE Select); coding-DNA position 454, G replaced by A.
Protein change: p.Val152Ile; replaces valine 152 with isoleucine.
Molecular consequence: missense variant.
Genome position (GRCh38, 1-based): chr7:116,559,204, G>A. VCF-style: chr7-116559204-G-A. GRCh37 (hg19) VCF-style: chr7-116199258-G-A.
Other names: c.361G>A, p.Val121Ile (NM_001172895.1, NM_001172896.2, NM_001172897.2); short protein forms V152I, V121I.
Identifiers: ClinVar variation 3594258 (VCV003594258.2).

ClinVar aggregate classification (germline): Uncertain significance. Review status: criteria provided, multiple submitters, no conflicts (2 of 4 stars). 2 submissions from 2 submitters: Uncertain significance (2). Last evaluated 2025-06-11.

Conditions:
Pulmonary hypertension, primary, 3. Identifiers: Orphanet 422, MedGen C3809192, MONDO:0014135, OMIM 615343.
Congenital generalized lipodystrophy type 3 (CGL3). Also called: BERARDINELLI-SEIP CONGENITAL LIPODYSTROPHY, TYPE 3. Identifiers: Orphanet 528, Orphanet 696206, MedGen C2675861, MONDO:0012923, OMIM 612526.
Partial lipodystrophy, congenital cataracts, and neurodegeneration syndrome (FPLD7). Identifiers: MedGen C3807567, MONDO:0011714, OMIM 606721.

gnomAD v4.1: 19 of 1,613,760 alleles (0.0012%); highest among the groups gnomAD compares: East Asian, 0.0022%; no homozygotes.

Submissions (2):

Labcorp Genetics (formerly Invitae), Labcorp
Classification: Uncertain significance for Pulmonary hypertension, primary, 3. Last evaluated: 2025-06-11. Review status: criteria provided, single submitter. Criteria: Invitae Variant Classification Sherloc (09022015). Collection method: clinical testing. Allele origin: germline.
Comment: This sequence change replaces valine, which is neutral and non-polar, with isoleucine, which is neutral and non-polar, at codon 152 of the CAV1 protein (p.Val152Ile). This variant is present in population databases (rs201317624, gnomAD 0.003%). This variant has not been reported in the literature in individuals affected with CAV1-related conditions. ClinVar contains an entry for this variant (Variation ID: 3594258). An algorithm developed to predict the effect of missense changes on protein structure and function outputs the following: PolyPhen-2: "Benign". The isoleucine amino acid residue is found in multiple mammalian species, which suggests that this missense change does not adversely affect protein function. In summary, the available evidence is currently insufficient to determine the role of this variant in disease. Therefore, it has been classified as a Variant of Uncertain Significance.

Fulgent Genetics
Classification: Uncertain significance for Partial lipodystrophy, congenital cataracts, and neurodegeneration syndrome; Congenital generalized lipodystrophy type 3; Pulmonary hypertension, primary, 3. Last evaluated: 2024-04-05. Review status: criteria provided, single submitter. Criteria: ACMG Guidelines, 2015. Collection method: clinical testing. Allele origin: germline.